The following is an entry in ClinVar:

NM_000059.4(BRCA2):c.9052A>G (p.Ser3018Gly)

Gene: BRCA2 (BRCA2 DNA repair associated; plus strand). Cytogenetic location: 13q13.1.
Variant type: single nucleotide variant.
Coding change: c.9052A>G on transcript NM_000059.4 (MANE Select); coding-DNA position 9052, A replaced by G.
Protein change: p.Ser3018Gly; replaces serine 3018 with glycine.
Molecular consequence: missense variant.
Genome position (GRCh38, 1-based): chr13:32,379,848, A>G. VCF-style: chr13-32379848-A-G. GRCh37 (hg19) VCF-style: chr13-32953985-A-G.
Other names: NM_000059.4(BRCA2):c.9052A>G; p.Ser3018Gly; 9280A>G; short protein forms S3018G.
Identifiers: ClinVar variation 96877 (VCV000096877.23), dbSNP rs431825373, ClinGen allele CA025943.

ClinVar aggregate classification (germline): Pathogenic. Review status: reviewed by expert panel (3 of 4 stars). 8 submissions from 8 submitters: Pathogenic (1). 7 of the submissions do not count toward it. Last evaluated 2026-07-15.

Conditions:
BRCA2-related cancer predisposition. Identifiers: MedGen CN377758, MONDO:0700269.
Hereditary cancer-predisposing syndrome. Also called: Tumor predisposition; Hereditary neoplastic syndrome; Hereditary Cancer Syndrome; Neoplastic Syndromes, Hereditary. Identifiers: Orphanet 140162, MedGen C0027672, MeSH D009386, MONDO:0015356.
Hereditary breast ovarian cancer syndrome. Also called: BRCA1- and BRCA2-Associated Hereditary Breast and Ovarian Cancer; Hereditary breast and/or ovarian cancer syndrome; Hereditary breast and ovarian cancer; Hereditary breast and ovarian cancer syndrome (HBOC); Hereditary breast and ovarian cancer syndrome; Breast and ovarian cancer. Identifiers: Orphanet 145, MedGen C0677776, MeSH D061325, MONDO:0003582. Disease mechanism: loss of function.
Breast-ovarian cancer, familial, susceptibility to, 2 (BROVCA2). Also called: BRCA2 Hereditary Breast and Ovarian Cancer. Identifiers: Orphanet 145, MedGen C2675520, MONDO:0012933, OMIM 612555. Disease mechanism: loss of function.
Familial cancer of breast. Also called: hereditary breast carcinoma; Hereditary breast cancer; BREAST CANCER, FAMILIAL. Identifiers: Orphanet 227535, MedGen C0346153, MONDO:0016419, OMIM 114480. Disease mechanism: loss of function.

Submissions (8):

ClinGen ENIGMA BRCA1 and BRCA2 Variant Curation Expert Panel, ClinGen
Classification: Pathogenic for BRCA2-related cancer predisposition. Last evaluated: 2026-07-15. Review status: reviewed by expert panel. Criteria: CSpec BRCA1/2ACMG Rules Specifications V1.2. Collection method: curation. Allele origin: germline. Inheritance: Autosomal dominant inheritance.
Comment: The c.9052A>G variant in BRCA2 is a missense variant predicted to cause substitution of Serine by Glycine at amino acid 3018 (p.(Ser3018Gly)). This variant is absent from gnomAD v4.1 (read depth ≥25x in >90% samples, PM2_Supporting met). This BRCA2 missense variant has a SpliceAI score of 0.83, predicting an impact on splicing by creating a donor site at the position of the variant (score threshold >0.20) (PP3 not applied because a PVS1 code is met). This variant is reported to result in aberrant mRNA splicing, confirming the prediction. RT-PCRseq demonstrated that the variant impacts splicing by skipping part of exon 23 (r.9053_9117del65 p.K3019Ffs*3). The percent of aberrant transcripts produced by the variant allele was estimated to be 90-95% using an allele specific semi-quantitative assessment with sequence analysis (Ambry internal data). We estimate up to 10% full-length transcript is produced by the variant allele. Appropriate code strength determined by comparison of results to PVS1 decision tree and Rubric of weighing mRNA data (Appendix Table 9): PVS1 (RNA) met. Missense variant predicted to alter splicing, functional data considered only from assays that measure effect via mRNA and protein. Reported by one calibrated study incorporating mRNA splicing effects to exhibit function similar to pathogenic control variants (PMID: 39779857) (PS3 met). Multifactorial likelihood ratio analysis using clinically calibrated data produced a combined LR for this variant of 2.4 (based on Co-occurrence LR=1.08; Family History LR=2.24), within the thresholds for supporting evidence towards pathogenicity (LR >2.08 & ≤4.3) (PP4 met; PMID: 31853058, Internal lab contributor). In summary, this variant meets the criteria to be classified as a Pathogenic variant for BRCA2-related cancer predisposition based on the ACMG/AMP criteria applied as specified by the ENIGMA BRCA1/2 VCEP (PVS1 (RNA), PM2_Supporting, PP4, PS3).

German Consortium for Hereditary Breast and Ovarian Cancer, University Hospital Cologne
Classification: Likely pathogenic for Hereditary breast ovarian cancer syndrome. Last evaluated: 2025-12-09. Review status: criteria provided, single submitter. Criteria: ClinGen BRCA2 V1.1.0. Collection method: curation. Allele origin: germline. Not counted in ClinVar's aggregate classification.
Comment: This classification follows the ClinGen ENIGMA BRCA2 v1.1.0 classification scheme; We chose these criteria: PS3 (strong pathogenic): strong pathogenic Huang (2025, PMID: 39779857), PM2 (supporting pathogenic): absent from gnomAD v4, PP3 (supporting pathogenic): spliceAI Acceptor Loss 0.26 (-47 bp); Donor Loss 0.30 (65 bp); Acceptor Gain 0.04 (-98 bp); Donor Gain 0.83 (0 bp) , PP4 (supporting pathogenic): Combined LR 2,4 (Parsons 2019 PMID: 31131967 Fam 1,21; Co-Occurrence 1,08; Li 2020 PMID: 31853058 Fam 1,87)

Labcorp Genetics (formerly Invitae), Labcorp
Classification: Uncertain significance for Hereditary breast ovarian cancer syndrome. Last evaluated: 2025-10-21. Review status: criteria provided, single submitter. Criteria: Invitae Variant Classification Sherloc (09022015). Collection method: clinical testing. Allele origin: germline. Not counted in ClinVar's aggregate classification.
Comment: This sequence change replaces serine, which is neutral and polar, with glycine, which is neutral and non-polar, at codon 3018 of the BRCA2 protein (p.Ser3018Gly). RNA analysis indicates that this missense change induces altered splicing and may result in an absent or altered protein product. This variant is not present in population databases (gnomAD no frequency). This variant has not been reported in the literature in individuals affected with BRCA2-related conditions. ClinVar contains an entry for this variant (Variation ID: 96877). Invitae Evidence Modeling of protein sequence and biophysical properties (such as structural, functional, and spatial information, amino acid conservation, physicochemical variation, residue mobility, and thermodynamic stability) indicates that this missense variant is not expected to disrupt BRCA2 protein function with a negative predictive value of 95%. Studies have shown that this missense change results in activation of a cryptic splice site, and produces a non-functional protein and/or introduces a premature termination codon (internal data). In summary, the available evidence is currently insufficient to determine the role of this variant in disease. Therefore, it has been classified as a Variant of Uncertain Significance.

Quest Diagnostics Nichols Institute San Juan Capistrano
Classification: Uncertain significance. Last evaluated: 2025-03-10. Review status: criteria provided, single submitter. Criteria: Quest Diagnostics criteria. Collection method: clinical testing. Allele origin: unknown. Not counted in ClinVar's aggregate classification.
Comment: The BRCA2 c.9052A>G (p.Ser3018Gly) variant has been reported in the published literature in an individual with breast cancer (PMID: 39062721 (2024)), and in individuals undergoing hereditary cancer testing (PMID: 31853058 (2020)). This variant has not been reported in large, multi-ethnic general populations (Genome Aggregation Database). Analysis of this variant using bioinformatics tools for the prediction of the effect of amino acid changes on protein structure and function yielded predictions that this variant is benign. Based on the available information, we are unable to determine the clinical significance of this variant.

Ambry Genetics
Classification: Likely pathogenic for Hereditary cancer-predisposing syndrome. Last evaluated: 2024-10-18. Review status: criteria provided, single submitter. Criteria: Ambry Variant Classification Scheme 2023. Collection method: clinical testing. Allele origin: germline. Not counted in ClinVar's aggregate classification.
Comment: The c.9052A>G variant (also known as p.S3018G), located in coding exon 22 of the BRCA2 gene, results from an A to G substitution at nucleotide position 9052. The serine at codon 3018 is replaced by glycine, an amino acid with similar properties. This alteration was identified in an individual diagnosed with breast cancer (Stella S et al. Genes (Basel), 2024 Jul;15:). This nucleotide position is well conserved in available vertebrate species. In silico splice site analysis predicts that this alteration will result in the creation or strengthening of a novel splice donor site. RNA studies have demonstrated that this alteration results in abnormal splicing in the set of samples tested (Ambry internal data). This variant is considered to be rare based on population cohorts in the Genome Aggregation Database (gnomAD). Based on the majority of available evidence to date, this variant is likely to be pathogenic.

Baylor Genetics
Classification: Likely pathogenic for Familial cancer of breast. Last evaluated: 2024-03-22. Review status: criteria provided, single submitter. Criteria: ACMG Guidelines, 2015. Collection method: clinical testing. Allele origin: unknown. Not counted in ClinVar's aggregate classification.

GeneDx
Classification: Uncertain significance. Last evaluated: 2018-08-13. Review status: criteria provided, single submitter. Criteria: GeneDx Variant Classification (06012015). Collection method: clinical testing. Allele origin: germline. Affected: yes. Not counted in ClinVar's aggregate classification.
Comment: This variant is denoted BRCA2 c.9052A>G at the cDNA level, p.Ser3018Gly (S3018G) at the protein level, and results in the change of a Serine to a Glycine (AGT>GGT). Using alternate nomenclature, this variant would be defined as BRCA2 9280A>G. This variant has not, to our knowledge, been published in the literature as pathogenic or benign. BRCA2 Ser3018Gly was not observed in large population cohorts (Lek 2016). This variant is located in the DNA binding domain (Yang 2002). In silico analysis, which includes splice predictors and evolutionary conservation, supports that this variant does not alter protein structure/function. Based on currently available information, it is unclear whether BRCA2 Ser3018Gly is pathogenic or benign. We consider it to be a variant of uncertain significance.

Sharing Clinical Reports Project (SCRP)
Classification: Uncertain significance for Breast-ovarian cancer, familial 2. Last evaluated: 2012-09-07. Review status: no assertion criteria provided. Collection method: clinical testing. Allele origin: germline. Not counted in ClinVar's aggregate classification.

Literature cited by the submitters: PubMed 39062721 (cited by Quest Diagnostics Nichols Institute San Juan Capistrano and Ambry Genetics); PubMed 31853058 (cited by Quest Diagnostics Nichols Institute San Juan Capistrano); PubMed 31131967 (cited by Quest Diagnostics Nichols Institute San Juan Capistrano).